The following is an entry in ClinVar:

ClinVar aggregate classification (germline): Uncertain significance. Review status: criteria provided, multiple submitters, no conflicts (2 of 4 stars). 4 submissions from 4 submitters: Uncertain significance (4). Last evaluated 2025-05-30.

Conditions:
Chédiak-Higashi syndrome (CHS). Also called: Chediak-Higashi Syndrome. Identifiers: Orphanet 167, MedGen C0007965, MONDO:0008963, OMIM 214500.
Inborn genetic diseases. Identifiers: MedGen C0950123, MeSH D030342.

Allele frequency attached by ClinVar (database versions not stated): gnomAD exomes 0.00025; ESP Exome Variant Server 0.00031; ExAC 0.00007; TOPMed 0.00007; gnomAD 0.00008.

Submissions (4):

Ambry Genetics
Classification: Uncertain significance for Inborn genetic diseases. Last evaluated: 2025-05-30. Review status: criteria provided, single submitter. Criteria: Ambry Variant Classification Scheme 2023. Collection method: clinical testing. Allele origin: germline.

Mayo Clinic Laboratories, Mayo Clinic
Classification: Uncertain significance. Last evaluated: 2025-03-17. Review status: criteria provided, single submitter. Criteria: ACMG Guidelines, 2015. Collection method: clinical testing. Allele origin: germline. Observed: 1 variant allele.

Labcorp Genetics (formerly Invitae), Labcorp
Classification: Uncertain significance for Chédiak-Higashi syndrome. Last evaluated: 2022-10-18. Review status: criteria provided, single submitter. Criteria: Invitae Variant Classification Sherloc (09022015). Collection method: clinical testing. Allele origin: germline.
Comment: This sequence change replaces histidine, which is basic and polar, with tyrosine, which is neutral and polar, at codon 38 of the LYST protein (p.His38Tyr). This variant is present in population databases (rs200935378, gnomAD 0.02%). This variant has not been reported in the literature in individuals affected with LYST-related conditions. ClinVar contains an entry for this variant (Variation ID: 659919). Advanced modeling of protein sequence and biophysical properties (such as structural, functional, and spatial information, amino acid conservation, physicochemical variation, residue mobility, and thermodynamic stability) has been performed at Invitae for this missense variant, however the output from this modeling did not meet the statistical confidence thresholds required to predict the impact of this variant on LYST protein function. In summary, the available evidence is currently insufficient to determine the role of this variant in disease. Therefore, it has been classified as a Variant of Uncertain Significance.

Blueprint Genetics
Classification: Uncertain significance. Last evaluated: 2022-10-06. Review status: criteria provided, single submitter. Criteria: ACMG Guidelines, 2015. Collection method: clinical testing. Allele origin: germline.

NM_000081.4(LYST):c.112C>T (p.His38Tyr)

Gene: LYST (lysosomal trafficking regulator; minus strand). Cytogenetic location: 1q42.3.
Variant type: single nucleotide variant.
Coding change: c.112C>T on transcript NM_000081.4 (MANE Select); coding-DNA position 112, C replaced by T.
Protein change: p.His38Tyr; replaces histidine 38 with tyrosine.
Molecular consequence: missense variant. On other transcripts: non-coding transcript variant (1).
Genome position (GRCh38, 1-based): chr1:235,830,306, G>A on the plus strand (C>T on the coding strand, the complement: LYST is on the minus strand). VCF-style: chr1-235830306-G-A. GRCh37 (hg19) VCF-style: chr1-235993606-G-A.
Other names: p.His38Tyr; c.112C>T, p.His38Tyr (NM_001301365.1); c.112C>T (NM_000081.2); short protein forms H38Y.
Identifiers: ClinVar variation 659919 (VCV000659919.11), dbSNP rs200935378, ClinGen allele CA1467726.